The following is an entry in ClinVar:

ClinVar aggregate classification (germline): Uncertain significance (1 of 4 stars; one submission).

Conditions:
Hereditary cancer-predisposing syndrome. Also called: Neoplastic Syndromes, Hereditary; Tumor predisposition; Hereditary neoplastic syndrome; Hereditary Cancer Syndrome. Identifiers: Orphanet 140162, MedGen C0027672, MeSH D009386, MONDO:0015356.

Submission:

Ambry Genetics
Classification: Uncertain significance for Hereditary cancer-predisposing syndrome. Last evaluated: 2026-09-06. Review status: criteria provided, single submitter. Criteria: Ambry Variant Classification Scheme 2023. Collection method: clinical testing. Allele origin: germline.
Comment: The p.A49S variant (also known as c.145G>T), located in coding exon 1 of the TMEM127 gene, results from a G to T substitution at nucleotide position 145. The alanine at codon 49 is replaced by serine, an amino acid with similar properties. This amino acid position is conserved. In addition, the in silico prediction for this alteration is inconclusive. Based on the available evidence, the clinical significance of this variant remains unclear.

NM_017849.4(TMEM127):c.145G>T (p.Ala49Ser)

Gene: TMEM127 (transmembrane protein 127; minus strand). Cytogenetic location: 2q11.2.
Variant type: single nucleotide variant.
Coding change: c.145G>T on transcript NM_017849.4 (MANE Select); coding-DNA position 145, G replaced by T.
Protein change: p.Ala49Ser; replaces alanine 49 with serine.
Molecular consequence: missense variant. On other transcripts: intron variant (1).
Genome position (GRCh38, 1-based): chr2:96,265,237, C>A on the plus strand (G>T on the coding strand, the complement: TMEM127 is on the minus strand). VCF-style: chr2-96265237-C-A. GRCh37 (hg19) VCF-style: chr2-96930975-C-A.
Other names: c.145G>T, p.Ala49Ser (NM_001193304.3); c.-9+632G>T (NM_001407283.1); short protein forms A49S.
Identifiers: ClinVar variation 5030894 (VCV005030894.1).